The following is an entry in ClinVar:

NM_005422.4(TECTA):c.4401C>G (p.Asp1467Glu)

Genes: TBCEL-TECTA (TBCEL-TECTA readthrough; plus strand), TECTA (tectorin alpha; plus strand). Cytogenetic location: 11q23.3.
Variant type: single nucleotide variant.
Coding change: c.4401C>G on transcript NM_005422.4 (MANE Select); coding-DNA position 4401, C replaced by G.
Protein change: p.Asp1467Glu; replaces aspartic acid 1467 with glutamic acid.
Molecular consequence: missense variant.
Genome position (GRCh38, 1-based): chr11:121,157,936, C>G. VCF-style: chr11-121157936-C-G. GRCh37 (hg19) VCF-style: chr11-121028645-C-G.
Other names: c.5358C>G, p.Asp1786Glu (NM_001378761.1); short protein forms D1467E, D1786E.
Identifiers: ClinVar variation 1977617 (VCV001977617.5), dbSNP rs369861884, ClinGen allele CA6327448.

ClinVar aggregate classification (germline): Uncertain significance (1 of 4 stars; one submission).

Allele frequency attached by ClinVar (database versions not stated): ExAC 0.00001; TOPMed 0.00002; ESP Exome Variant Server 0.00008.
gnomAD v4.1: 7 of 1,613,978 alleles (0.00043%); highest among the groups gnomAD compares: African/African-American, 0.0013%; no homozygotes.

Submission:

Labcorp Genetics (formerly Invitae), Labcorp
Classification: Uncertain significance. Last evaluated: 2025-07-07. Review status: criteria provided, single submitter. Criteria: Invitae Variant Classification Sherloc (09022015). Collection method: clinical testing. Allele origin: germline.
Comment: This sequence change replaces aspartic acid, which is acidic and polar, with glutamic acid, which is acidic and polar, at codon 1467 of the TECTA protein (p.Asp1467Glu). This variant is present in population databases (rs369861884, gnomAD 0.007%). This variant has not been reported in the literature in individuals affected with TECTA-related conditions. ClinVar contains an entry for this variant (Variation ID: 1977617). Invitae Evidence Modeling of protein sequence and biophysical properties (such as structural, functional, and spatial information, amino acid conservation, physicochemical variation, residue mobility, and thermodynamic stability) indicates that this missense variant is not expected to disrupt TECTA protein function with a negative predictive value of 95%. In summary, the available evidence is currently insufficient to determine the role of this variant in disease. Therefore, it has been classified as a Variant of Uncertain Significance.